The following is an entry in ClinVar:

ClinVar aggregate classification (germline): Uncertain significance. Review status: criteria provided, multiple submitters, no conflicts (2 of 4 stars). 2 submissions from 2 submitters: Uncertain significance (2). Last evaluated 2025-05-17.

Conditions:
Inborn genetic diseases. Identifiers: MedGen C0950123, MeSH D030342.

gnomAD v4.1: 19 of 1,614,050 alleles (0.0012%); highest among the groups gnomAD compares: Non-Finnish European, 0.0015%; no homozygotes.

Submissions (2):

Ambry Genetics
Classification: Uncertain significance for Inborn genetic diseases. Last evaluated: 2025-05-17. Review status: criteria provided, single submitter. Criteria: Ambry Variant Classification Scheme 2023. Collection method: clinical testing. Allele origin: germline.

Women's Health and Genetics/Laboratory Corporation of America, LabCorp
Classification: Uncertain significance. Last evaluated: 2024-12-02. Review status: criteria provided, single submitter. Criteria: LabCorp Variant Classification Summary - May 2015. Collection method: clinical testing. Allele origin: germline.
Comment: Variant summary: HERC2 c.14106G>T (p.Gln4702His) results in a non-conservative amino acid change located in the HECT domain (IPR000569) of the encoded protein sequence. Four of five in-silico tools predict a damaging effect of the variant on protein function. The variant allele was found at a frequency of 2e-05 in 251410 control chromosomes. The available data on variant occurrences in the general population are insufficient to allow any conclusion about variant significance. To our knowledge, no occurrence of c.14106G>T in individuals affected with Intellectual Developmental Disorder, Autosomal Recessive 38 and no experimental evidence demonstrating its impact on protein function have been reported. ClinVar contains an entry for a different variant sharing the same codon alteration (Variation ID: 1710749). Based on the evidence outlined above, the variant was classified as uncertain significance.

NM_004667.6(HERC2):c.14106G>T (p.Gln4702His)

Gene: HERC2 (HECT and RLD domain containing E3 ubiquitin protein ligase 2; minus strand). Cytogenetic location: 15q13.1.
Variant type: single nucleotide variant.
Coding change: c.14106G>T on transcript NM_004667.6 (MANE Select); coding-DNA position 14106, G replaced by T.
Protein change: p.Gln4702His; replaces glutamine 4702 with histidine.
Molecular consequence: missense variant.
Genome position (GRCh38, 1-based): chr15:28,113,197, C>A on the plus strand (G>T on the coding strand, the complement: HERC2 is on the minus strand). VCF-style: chr15-28113197-C-A. GRCh37 (hg19) VCF-style: chr15-28358343-C-A.
Other names: c.14106G>T (NM_004667.4); short protein forms Q4702H.
Identifiers: ClinVar variation 3768369 (VCV003768369.2).